The following is an entry in ClinVar:

NM_004656.4(BAP1):c.123C>T (p.Gly41=)

Gene: BAP1 (BRCA1 associated deubiquitinase 1; minus strand). Cytogenetic location: 3p21.1.
Variant type: single nucleotide variant.
Coding change: c.123C>T on transcript NM_004656.4 (MANE Select); coding-DNA position 123, C replaced by T.
Protein change: p.Gly41=; no amino-acid change (glycine 41 retained).
Molecular consequence: synonymous variant.
Genome position (GRCh38, 1-based): chr3:52,408,606, G>A on the plus strand (C>T on the coding strand, the complement: BAP1 is on the minus strand). VCF-style: chr3-52408606-G-A. GRCh37 (hg19) VCF-style: chr3-52442622-G-A.
Other names: c.123C>T, p.Gly41= (NM_001410772.1).
Identifiers: ClinVar variation 2876280 (VCV002876280.4), dbSNP rs2153228352, ClinGen allele CA433778278.

ClinVar aggregate classification (germline): Conflicting classifications of pathogenicity. Review status: criteria provided, conflicting classifications (1 of 4 stars). 2 submissions from 2 submitters: Uncertain significance (1); Likely benign (1). Last evaluated 2025-07-21.

Conditions:
Hereditary cancer-predisposing syndrome. Also called: Neoplastic Syndromes, Hereditary; Hereditary Cancer Syndrome; Hereditary neoplastic syndrome; Tumor predisposition. Identifiers: Orphanet 140162, MedGen C0027672, MeSH D009386, MONDO:0015356.
BAP1-related tumor predisposition syndrome (TPDS1). Also called: BAP1 tumor predisposition syndrome; Tumor susceptibility linked to germline BAP1 mutations; TUMOR PREDISPOSITION SYNDROME 1; COMMON Syndrome. Identifiers: Orphanet 289539, MedGen C3280492, MONDO:0013692, OMIM 614327.

Allele frequency attached by ClinVar (database versions not stated): gnomAD exomes below 0.00001.
gnomAD v4.1: 2 of 1,608,750 alleles (0.00012%); highest among the groups gnomAD compares: South Asian, 0.0011%; no homozygotes.

Submissions (2):

Labcorp Genetics (formerly Invitae), Labcorp
Classification: Uncertain significance for BAP1-related tumor predisposition syndrome. Last evaluated: 2025-07-21. Review status: criteria provided, single submitter. Criteria: Invitae Variant Classification Sherloc (09022015). Collection method: clinical testing. Allele origin: germline.
Comment: This sequence change affects codon 41 of the BAP1 mRNA. It is a 'silent' change, meaning that it does not change the encoded amino acid sequence of the BAP1 protein. It affects a nucleotide within the consensus splice site. This variant is not present in population databases (gnomAD no frequency). This variant has not been reported in the literature in individuals affected with BAP1-related conditions. ClinVar contains an entry for this variant (Variation ID: 2876280). Algorithms developed to predict the effect of sequence changes on RNA splicing suggest that this variant is not likely to affect RNA splicing. In summary, the available evidence is currently insufficient to determine the role of this variant in disease. Therefore, it has been classified as a Variant of Uncertain Significance.

Ambry Genetics
Classification: Likely benign for Hereditary cancer-predisposing syndrome. Last evaluated: 2024-07-17. Review status: criteria provided, single submitter. Criteria: Ambry Variant Classification Scheme 2023. Collection method: clinical testing. Allele origin: germline.